The following is an entry in ClinVar:

ClinVar aggregate classification (germline): Pathogenic (1 of 4 stars; one submission).

Conditions:
Cornelia de Lange syndrome 1 (CDLS1). Also called: TYPUS DEGENERATIVUS AMSTELODAMENSIS; NIPBL-Related Cornelia de Lange Syndrome; Brachmann de Lange syndrome. Identifiers: Orphanet 199, MedGen C4551851, MONDO:0007387, OMIM 122470.

Submission:

Labcorp Genetics (formerly Invitae), Labcorp
Classification: Pathogenic for Cornelia de Lange syndrome 1. Last evaluated: 2020-10-14. Review status: criteria provided, single submitter. Criteria: Invitae Variant Classification Sherloc (09022015). Collection method: clinical testing. Allele origin: germline.
Comment: This sequence change creates a premature translational stop signal (p.Gln125*) in the NIPBL gene. It is expected to result in an absent or disrupted protein product. Loss-of-function variants in NIPBL are known to be pathogenic (PMID: 15318302, 19763162, 23505322, 29995837). This variant is not present in population databases (ExAC no frequency). This variant has not been reported in the literature in individuals with NIPBL-related conditions. For these reasons, this variant has been classified as Pathogenic.

Literature cited by the submitters: PubMed 15318302; PubMed 19763162; PubMed 23505322; PubMed 29995837.

NM_133433.4(NIPBL):c.373C>T (p.Gln125Ter)

Gene: NIPBL (NIPBL cohesin loading factor; plus strand). Cytogenetic location: 5p13.2.
Variant type: single nucleotide variant.
Coding change: c.373C>T on transcript NM_133433.4 (MANE Select); coding-DNA position 373, C replaced by T.
Protein change: p.Gln125Ter; replaces glutamine 125 with a stop codon.
Molecular consequence: nonsense.
Genome position (GRCh38, 1-based): chr5:36,961,498, C>T. VCF-style: chr5-36961498-C-T. GRCh37 (hg19) VCF-style: chr5-36961600-C-T.
Other names: c.373C>T, p.Gln125Ter (NM_015384.5); short protein forms Q125*.
Identifiers: ClinVar variation 1395044 (VCV001395044.1), dbSNP rs2149607039, ClinGen allele CA359475589.